The following is an entry in ClinVar:

NM_002458.3(MUC5B):c.3928C>T (p.Pro1310Ser)

Gene: MUC5B (mucin 5B, oligomeric mucus/gel-forming; plus strand). Cytogenetic location: 11p15.5.
Variant type: single nucleotide variant.
Coding change: c.3928C>T on transcript NM_002458.3 (MANE Select); coding-DNA position 3928, C replaced by T.
Protein change: p.Pro1310Ser; replaces proline 1310 with serine.
Molecular consequence: missense variant.
Genome position (GRCh38, 1-based): chr11:1,240,333, C>T. VCF-style: chr11-1240333-C-T. GRCh37 (hg19) VCF-style: chr11-1261563-C-T.
Other names: short protein forms P1310S.
Identifiers: ClinVar variation 164000 (VCV000164000.5), dbSNP rs115299660, ClinGen allele CA176763.
Genomic context (GRCh38, chr11:1,240,333, plus strand): 5'-GGAAGCAACGGCACCATCATCAGGAAGGCTGTGGCATGTCCTGGAACTCCAGCCACAACG[C>T]CATTCACCTTCACCACCGCCTGGGTCCCCCACTCCACGACAAGTAAGCCCTGCCTGGCTC-3'
Protein context (NP_002449.2, residues 1300-1320): VACPGTPATT[Pro1310Ser]FTFTTAWVPH

ClinVar aggregate classification (germline): Benign. Review status: criteria provided, multiple submitters, no conflicts (2 of 4 stars). 2 submissions from 2 submitters: Benign (2). Last evaluated 2013-02-21.

Allele frequency attached by ClinVar (database versions not stated): gnomAD 0.00819 and 0.00871; ESP Exome Variant Server 0.01087; 1000 Genomes Project 30x 0.01140; gnomAD exomes 0.00210 and 0.00079; ExAC 0.00254; TOPMed 0.00954; 1000 Genomes Project 0.01058.
gnomAD v4.1: 2,426 of 1,609,988 alleles (0.15%); highest among the groups gnomAD compares: African/African-American, 2.9%; 30 homozygotes.

Submissions (2):

Laboratory for Molecular Medicine, Mass General Brigham Personalized Medicine
Classification: Benign. Last evaluated: 2013-02-21. Review status: criteria provided, single submitter. Criteria: LMM Criteria. Collection method: clinical testing. Allele origin: germline. Observed: 1 variant allele.
Comment: Pro1310Ser in exon 30 of MUC5B: This variant is not expected to have clinical si gnificance because it has been identified in 3.2% (136/4240) of African American chromosomes from a broad population by the NHLBI Exome Sequencing Project (dbSNP rs115299660).

Breakthrough Genomics
Classification: Benign. Review status: criteria provided, single submitter. Criteria: ACMG Guidelines, 2015. Collection method: not provided. Allele origin: germline. Inheritance: Autosomal dominant inheritance. Affected: yes.